The following is an entry in ClinVar:

ClinVar aggregate classification (germline): Pathogenic (1 of 4 stars; one submission).

Conditions:
Asphyxiating thoracic dystrophy 3. Also called: Saldino-Noonan Syndrome; SHORT-RIB THORACIC DYSPLASIA 3 WITH OR WITHOUT POLYDACTYLY; POLYDACTYLY WITH NEONATAL CHONDRODYSTROPHY, TYPE I; SHORT-RIB THORACIC DYSPLASIA 3/6 WITH POLYDACTYLY, DIGENIC; Short rib polydactyly syndrome 2B. Identifiers: Orphanet 474, Orphanet 93269, Orphanet 93270, Orphanet 93271, MedGen C0036069, MONDO:0013127, OMIM 613091.

Submission:

Myriad Genetics, Inc.
Classification: Pathogenic for Asphyxiating thoracic dystrophy 3. Last evaluated: 2025-05-03. Review status: criteria provided, single submitter. Criteria: Myriad Autosomal Dominant, Autosomal Recessive and X-Linked Classification Criteria (2023). Collection method: clinical testing. Allele origin: unknown.
Comment: NM_001377.2(DYNC2H1):c.9894dupA(R3299Tfs*10) is expected to be pathogenic in the context of DYNC2H1-related disorders. This variant is predicted to lead to an abnormal or absent protein product due to the creation of a premature termination codon in DYNC2H1, a gene where loss-of-function variants are known to be pathogenic. Please note: this variant was assessed in the context of healthy population screening.

NM_001377.3(DYNC2H1):c.9894dup (p.Arg3299fs)

Gene: DYNC2H1 (dynein cytoplasmic 2 heavy chain 1; plus strand). Cytogenetic location: 11q22.3.
Variant type: Duplication.
Coding change: c.9894dup on transcript NM_001377.3 (MANE Select); coding-DNA position 9894, one base duplicated (A; older notation c.9894dupA).
Protein change: p.Arg3299fs; shifts the reading frame from arginine 3299.
Molecular consequence: frameshift variant.
Genome position (GRCh38, 1-based): chr11:103,243,767, A duplicated. VCF-style (leftmost placement, unchanged base first): chr11-103243766-C-CA. GRCh37 (hg19) VCF-style: chr11-103114495-C-CA.
Other names: c.9915dup, p.Arg3306fs (NM_001080463.2); short protein forms R3299fs, R3306fs.
Identifiers: ClinVar variation 5014376 (VCV005014376.1).